The following is an entry in ClinVar:

ClinVar aggregate classification (germline): Uncertain significance. Review status: criteria provided, multiple submitters, no conflicts (2 of 4 stars). 2 submissions from 2 submitters: Uncertain significance (2). Last evaluated 2025-10-28.

Conditions:
Neuropathy, hereditary sensory and autonomic, type 2A (HSAN2A). Also called: MORVAN DISEASE; NEUROPATHY, CONGENITAL SENSORY; NEUROPATHY, HEREDITARY SENSORY RADICULAR, AUTOSOMAL RECESSIVE; NEUROPATHY, HEREDITARY SENSORY, TYPE IIA; NEUROPATHY, PROGRESSIVE SENSORY, OF CHILDREN; WNK1-Related HSAN2 (HSAN2A). Identifiers: Orphanet 970, MedGen C2752089, MONDO:0024309, OMIM 201300.
Generalized epilepsy with febrile seizures plus, type 7 (GEFSP7). Also called: GEFS+, TYPE 7. Identifiers: Orphanet 36387, MedGen C2751778, MONDO:0013470, OMIM 613863.

Allele frequency attached by ClinVar (database versions not stated): gnomAD exomes 0.00004.
gnomAD v4.1: 36 of 1,609,342 alleles (0.0022%); highest among the groups gnomAD compares: Non-Finnish European, 0.0031%; no homozygotes.

Submissions (2):

Labcorp Genetics (formerly Invitae), Labcorp
Classification: Uncertain significance for Neuropathy, hereditary sensory and autonomic, type 2A; Generalized epilepsy with febrile seizures plus, type 7. Last evaluated: 2025-10-28. Review status: criteria provided, single submitter. Criteria: Invitae Variant Classification Sherloc (09022015). Collection method: clinical testing. Allele origin: germline.
Comment: This sequence change replaces lysine, which is basic and polar, with asparagine, which is neutral and polar, at codon 1554 of the SCN9A protein (p.Lys1554Asn). This variant is not present in population databases (gnomAD no frequency). This variant has not been reported in the literature in individuals affected with SCN9A-related conditions. ClinVar contains an entry for this variant (Variation ID: 2023792). Invitae Evidence Modeling of protein sequence and biophysical properties (such as structural, functional, and spatial information, amino acid conservation, physicochemical variation, residue mobility, and thermodynamic stability) has been performed for this missense variant. However, the output from this modeling did not meet the statistical confidence thresholds required to predict the impact of this variant on SCN9A protein function. In summary, the available evidence is currently insufficient to determine the role of this variant in disease. Therefore, it has been classified as a Variant of Uncertain Significance.

Blueprint Genetics
Classification: Uncertain significance. Last evaluated: 2020-11-04. Review status: criteria provided, single submitter. Criteria: ACMG Guidelines, 2015. Collection method: clinical testing. Allele origin: germline.

NM_001365536.1(SCN9A):c.4695A>C (p.Lys1565Asn)

Genes: SCN1A-AS1 (SCN1A and SCN9A antisense RNA 1; plus strand), SCN9A (sodium voltage-gated channel alpha subunit 9; minus strand). Cytogenetic location: 2q24.3.
Variant type: single nucleotide variant.
Coding change: c.4695A>C on transcript NM_001365536.1 (MANE Select); coding-DNA position 4695, A replaced by C.
Protein change: p.Lys1565Asn; replaces lysine 1565 with asparagine.
Molecular consequence: missense variant.
Genome position (GRCh38, 1-based): chr2:166,204,034, T>G on the plus strand (A>C on the coding strand, the complement: SCN9A is on the minus strand). VCF-style: chr2-166204034-T-G. GRCh37 (hg19) VCF-style: chr2-167060544-T-G.
Other names: c.4662A>C, p.Lys1554Asn (NM_002977.4); short protein forms K1554N, K1565N.
Identifiers: ClinVar variation 2023792 (VCV002023792.5), dbSNP rs199733894, ClinGen allele CA59788894.